The following is an entry in ClinVar:

NM_000218.3(KCNQ1):c.1433A>G (p.His478Arg)

Genes: KCNQ1 (potassium voltage-gated channel subfamily Q member 1; plus strand), KCNQ1OT1 (KCNQ1 opposite strand/antisense transcript 1; minus strand). Cytogenetic location: 11p15.5.
Variant type: single nucleotide variant.
Coding change: c.1433A>G on transcript NM_000218.3 (MANE Select); coding-DNA position 1433, A replaced by G.
Protein change: p.His478Arg; replaces histidine 478 with arginine.
Molecular consequence: missense variant. On other transcripts: non-coding transcript variant (1).
Genome position (GRCh38, 1-based): chr11:2,662,000, A>G. VCF-style: chr11-2662000-A-G. GRCh37 (hg19) VCF-style: chr11-2683230-A-G.
Other names: c.1337A>G, p.His446Arg (NM_001406836.1); c.1163A>G, p.His388Arg (NM_001406837.1); c.893A>G, p.His298Arg (NM_001406838.1); c.1052A>G, p.His351Arg (NM_181798.2); short protein forms H298R, H351R, H388R, H446R, H478R.
Identifiers: ClinVar variation 4759053 (VCV004759053.1).

ClinVar aggregate classification (germline): Uncertain significance (1 of 4 stars; one submission).

Conditions:
Cardiac arrhythmia. Also called: Arrhythmia; Cardiac rhythm disease. Identifiers: MedGen C0003811, MONDO:0007263, HP:0011675.

Submission:

Color Diagnostics, LLC DBA Color Health
Classification: Uncertain significance for Cardiac arrhythmia. Last evaluated: 2025-08-04. Review status: criteria provided, single submitter. Criteria: ACMG Guidelines, 2015. Collection method: clinical testing. Allele origin: germline.
Comment: This missense variant replaces histidine with arginine at codon 478 of the KCNQ1 protein. Computational prediction is inconclusive regarding the impact of this variant on protein structure and function. To our knowledge, functional studies have not been reported for this variant. This variant has not been reported in individuals affected with KCNQ1-related disorders in the literature. This variant has not been identified in the general population by the Genome Aggregation Database (gnomAD). The available evidence is insufficient to determine the role of this variant in disease conclusively. Therefore, this variant is classified as a Variant of Uncertain Significance.